The following is an entry in ClinVar:

NM_000206.3(IL2RG):c.632C>G (p.Pro211Arg)

Gene: IL2RG (interleukin 2 receptor subunit gamma; minus strand). Cytogenetic location: Xq13.1.
Variant type: single nucleotide variant.
Coding change: c.632C>G on transcript NM_000206.3 (MANE Select); coding-DNA position 632, C replaced by G.
Protein change: p.Pro211Arg; replaces proline 211 with arginine.
Molecular consequence: missense variant.
Genome position (GRCh38, 1-based): chrX:71,109,353, G>C on the plus strand (C>G on the coding strand, the complement: IL2RG is on the minus strand). VCF-style: chrX-71109353-G-C. GRCh37 (hg19) VCF-style: chrX-70329203-G-C.
Other names: short protein forms P211R.
Identifiers: ClinVar variation 1718218 (VCV001718218.5), dbSNP rs2519645656, ClinGen allele CA413496085.

ClinVar aggregate classification (germline): Uncertain significance (1 of 4 stars; one submission).

Conditions:
X-linked severe combined immunodeficiency (SCIDX1). Also called: IMMUNODEFICIENCY 4; SCID, X-LINKED; SEVERE COMBINED IMMUNODEFICIENCY, X-LINKED, T CELL-NEGATIVE, B CELL-POSITIVE, NK CELL-NEGATIVE; T-B+ severe combined immunodeficiency due to gamma chain deficiency; X-Linked Combined Immunodeficiency Diseases. Identifiers: Orphanet 276, MedGen C6022468, MONDO:0010315, OMIM 300400. Disease mechanism: loss of function.

Submission:

Labcorp Genetics (formerly Invitae), Labcorp
Classification: Uncertain significance for X-linked severe combined immunodeficiency. Last evaluated: 2022-08-28. Review status: criteria provided, single submitter. Criteria: Invitae Variant Classification Sherloc (09022015). Collection method: clinical testing. Allele origin: germline.
Comment: This sequence change replaces proline, which is neutral and non-polar, with arginine, which is basic and polar, at codon 211 of the IL2RG protein (p.Pro211Arg). This variant is not present in population databases (gnomAD no frequency). This variant has not been reported in the literature in individuals affected with IL2RG-related conditions. Advanced modeling of protein sequence and biophysical properties (such as structural, functional, and spatial information, amino acid conservation, physicochemical variation, residue mobility, and thermodynamic stability) performed at Invitae indicates that this missense variant is expected to disrupt IL2RG protein function. In summary, the available evidence is currently insufficient to determine the role of this variant in disease. Therefore, it has been classified as a Variant of Uncertain Significance.